The following is an entry in ClinVar:

NM_001458.5(FLNC):c.2160del (p.Asn721fs)

Gene: FLNC (filamin C; plus strand). Cytogenetic location: 7q32.1.
Variant type: Deletion.
Coding change: c.2160del on transcript NM_001458.5 (MANE Select); coding-DNA position 2160, one base deleted (C; older notation c.2160delC).
Protein change: p.Asn721fs; shifts the reading frame from asparagine 721.
Molecular consequence: frameshift variant.
Genome position (GRCh38, 1-based): chr7:128,842,269, C deleted; the last of 4 consecutive C bases (chr7:128,842,266-128,842,269); deleting any one gives the same sequence. VCF-style (leftmost placement, unchanged base first): chr7-128842265-TC-T. GRCh37 (hg19) VCF-style: chr7-128482319-TC-T.
Other names: c.2160del, p.Asn721fs (NM_001127487.2); c.2160delC, p.Asn721Thrfs (NM_001458.4); c.2160del (NM_001458.4); short protein forms N721fs.
Identifiers: ClinVar variation 2124030 (VCV002124030.6), dbSNP rs2536630380, ClinGen allele CA2580076660.

ClinVar aggregate classification (germline): Pathogenic. Review status: criteria provided, multiple submitters, no conflicts (2 of 4 stars). 2 submissions from 2 submitters: Pathogenic (2). Last evaluated 2025-12-24.

Conditions:
Cardiovascular phenotype. Identifiers: MedGen CN230736.
Myofibrillar myopathy 5. Also called: Filaminopathy (type); FILAMINOPATHY, AUTOSOMAL DOMINANT. Identifiers: Orphanet 171445, MedGen C1836050, MONDO:0012289, OMIM 609524.
Hypertrophic cardiomyopathy 26. Also called: Cardiomyopathy, familial hypertrophic, 26. Identifiers: Orphanet 75249, MedGen C4310749, MONDO:0014883, OMIM 617047.
Distal myopathy with posterior leg and anterior hand involvement. Also called: WILLIAMS DISTAL MYOPATHY. Identifiers: Orphanet 63273, MedGen C3279722, MONDO:0013550, OMIM 614065.

Submissions (2):

Labcorp Genetics (formerly Invitae), Labcorp
Classification: Pathogenic for Distal myopathy with posterior leg and anterior hand involvement; Myofibrillar myopathy 5; Hypertrophic cardiomyopathy 26. Last evaluated: 2025-12-24. Review status: criteria provided, single submitter. Criteria: Invitae Variant Classification Sherloc (09022015). Collection method: clinical testing. Allele origin: germline.
Comment: This sequence change creates a premature translational stop signal (p.Asn721Thrfs*27) in the FLNC gene. It is expected to result in an absent or disrupted protein product. Loss-of-function variants in FLNC are known to be pathogenic (PMID: 27908349). This variant is not present in population databases (gnomAD no frequency). This variant has not been reported in the literature in individuals affected with FLNC-related conditions. ClinVar contains an entry for this variant (Variation ID: 2124030). For these reasons, this variant has been classified as Pathogenic.

Molecular Diagnostic Laboratory for Inherited Cardiovascular Disease, Montreal Heart Institute
Classification: Pathogenic for Cardiovascular phenotype. Last evaluated: 2025-09-25. Review status: criteria provided, single submitter. Criteria: ACMG Guidelines, 2015. Collection method: clinical testing. Allele origin: germline. Affected: yes.
Comment: PVS1, PM2, PP1

Literature cited by the submitters: PubMed 27908349 (cited by Labcorp Genetics (formerly Invitae), Labcorp).